The following is an entry in ClinVar:

ClinVar aggregate classification (germline): Conflicting classifications of pathogenicity. Review status: criteria provided, conflicting classifications (1 of 4 stars). 4 submissions from 4 submitters: Uncertain significance (3); Likely benign (1). Last evaluated 2025-11-10.

Conditions:
Hereditary cancer-predisposing syndrome. Also called: Hereditary neoplastic syndrome; Neoplastic Syndromes, Hereditary; Tumor predisposition; Hereditary Cancer Syndrome. Identifiers: Orphanet 140162, MedGen C0027672, MeSH D009386, MONDO:0015356.
Ataxia-telangiectasia syndrome (AT). Also called: LOUIS-BAR SYNDROME; Cerebello-oculocutaneous telangiectasia; Immunodeficiency with ataxia telangiectasia; AT, COMPLEMENTATION GROUP C; Ataxia-telangiectasia, complementation group D; ATAXIA-TELANGIECTASIA, COMPLEMENTATION GROUP A. Identifiers: Orphanet 100, MedGen C0004135, MONDO:0008840, OMIM 208900.

Allele frequency attached by ClinVar (database versions not stated): gnomAD exomes 0.00002.
gnomAD v4.1: 26 of 1,613,984 alleles (0.0016%); highest among the groups gnomAD compares: Non-Finnish European, 0.0015%; no homozygotes.

Submissions (4):

Labcorp Genetics (formerly Invitae), Labcorp
Classification: Likely benign for Ataxia-telangiectasia syndrome. Last evaluated: 2025-11-10. Review status: criteria provided, single submitter. Criteria: Invitae Variant Classification Sherloc (09022015). Collection method: clinical testing. Allele origin: germline.

Ambry Genetics
Classification: Uncertain significance for Hereditary cancer-predisposing syndrome. Last evaluated: 2023-06-24. Review status: criteria provided, single submitter. Criteria: Ambry Variant Classification Scheme 2023. Collection method: clinical testing. Allele origin: germline.
Comment: The p.L1851F variant (also known as c.5551C>T), located in coding exon 36 of the ATM gene, results from a C to T substitution at nucleotide position 5551. The leucine at codon 1851 is replaced by phenylalanine, an amino acid with highly similar properties. This amino acid position is highly conserved in available vertebrate species. In addition, the in silico prediction for this alteration is inconclusive. Since supporting evidence is limited at this time, the clinical significance of this alteration remains unclear.

GeneDx
Classification: Uncertain significance. Last evaluated: 2020-02-27. Review status: criteria provided, single submitter. Criteria: GeneDx Variant Classification Process June 2021. Collection method: clinical testing. Allele origin: germline. Affected: yes.
Comment: Not observed in large population cohorts (Lek 2016); In silico analysis supports that this missense variant does not alter protein structure/function; Observed in an unaffected control in a breast cancer case-control study (Decker 2017); This variant is associated with the following publications: (PMID: 28779002, 25801821)

Color Diagnostics, LLC DBA Color Health
Classification: Uncertain significance for Hereditary cancer-predisposing syndrome. Last evaluated: 2019-02-14. Review status: criteria provided, single submitter. Criteria: ACMG Guidelines, 2015. Collection method: clinical testing. Allele origin: germline.

NM_000051.4(ATM):c.5551C>T (p.Leu1851Phe)

Gene: ATM (ATM serine/threonine kinase; plus strand). Cytogenetic location: 11q22.3.
Variant type: single nucleotide variant.
Coding change: c.5551C>T on transcript NM_000051.4 (MANE Select); coding-DNA position 5551, C replaced by T.
Protein change: p.Leu1851Phe; replaces leucine 1851 with phenylalanine.
Molecular consequence: missense variant.
Genome position (GRCh38, 1-based): chr11:108,304,729, C>T. VCF-style: chr11-108304729-C-T. GRCh37 (hg19) VCF-style: chr11-108175456-C-T.
Other names: c.5551C>T, p.Leu1851Phe (NM_001351834.2); short protein forms L1851F.
Identifiers: ClinVar variation 482544 (VCV000482544.21), dbSNP rs200842502, ClinGen allele CA6265727.